The following is an entry in ClinVar:

NM_139076.3(ABRAXAS1):c.63G>A (p.Gln21=)

Genes: ABRAXAS1 (abraxas 1, BRCA1 A complex subunit; minus strand), LOC129992784 (ATAC-STARR-seq lymphoblastoid silent region 15542; plus strand). Cytogenetic location: 4q21.23.
Variant type: single nucleotide variant.
Coding change: c.63G>A on transcript NM_139076.3 (MANE Select); coding-DNA position 63, G replaced by A.
Protein change: p.Gln21=; no amino-acid change (glutamine 21 retained).
Molecular consequence: synonymous variant. On other transcripts: 5 prime UTR variant (1).
Genome position (GRCh38, 1-based): chr4:83,485,010, C>T on the plus strand (G>A on the coding strand, the complement: ABRAXAS1 is on the minus strand). VCF-style: chr4-83485010-C-T. GRCh37 (hg19) VCF-style: chr4-84406163-C-T.
Other names: c.-198G>A (NM_001345962.2).
Identifiers: ClinVar variation 496538 (VCV000496538.14), dbSNP rs745494968, ClinGen allele CA2990676.

ClinVar aggregate classification (germline): Benign/Likely benign. Review status: criteria provided, multiple submitters, no conflicts (2 of 4 stars). 3 submissions from 3 submitters: Benign (1); Likely benign (2). Last evaluated 2025-07-30.

Allele frequency attached by ClinVar (database versions not stated): gnomAD exomes 0.00011 and 0.00028; gnomAD 0.00018 and 0.00021; ExAC 0.00028; TOPMed 0.00040.
gnomAD v4.1: 208 of 1,594,950 alleles (0.013%); highest among the groups gnomAD compares: Admixed American, 0.077%; 2 homozygotes.

Submissions (3):

Labcorp Genetics (formerly Invitae), Labcorp
Classification: Likely benign. Last evaluated: 2025-07-30. Review status: criteria provided, single submitter. Criteria: Invitae Variant Classification Sherloc (09022015). Collection method: clinical testing. Allele origin: germline.

Ambry Genetics
Classification: Likely benign. Last evaluated: 2022-02-14. Review status: criteria provided, single submitter. Criteria: Ambry Variant Classification Scheme 2023. Collection method: clinical testing. Allele origin: germline.

Women's Health and Genetics/Laboratory Corporation of America, LabCorp
Classification: Benign. Last evaluated: 2017-01-26. Review status: criteria provided, single submitter. Criteria: LabCorp Variant Classification Summary - May 2015. Collection method: clinical testing. Allele origin: germline.
Comment: Variant summary: The FAM175A c.63G>A (p.Gln21Gln) variant involves the alteration of a non-conserved nucleotide, resulting in a synonymous change. One in silico tool predicts a damaging outcome for this variant. 5/5 splice prediction tools predict no significant impact on normal splicing. ESE finder predicts that this variant may affect ESE site of SRp40. However, these predictions have yet to be confirmed by functional studies. This variant was found in 31/110674 control chromosomes at a frequency of 0.0002801, which is approximately 9 times the estimated maximal expected allele frequency of a pathogenic FAM175A variant (0.0000313), suggesting this variant is likely a benign polymorphism. Taken together, this variant is classified as benign.